The following is an entry in ClinVar:

NM_001032283.3(TMPO):c.565+2079C>T

Gene: TMPO (thymopoietin; plus strand). Cytogenetic location: 12q23.1.
Variant type: single nucleotide variant.
Coding change: c.565+2079C>T on transcript NM_001032283.3 (MANE Select); 2079 bases into the intron after coding-DNA position 565, C replaced by T.
Molecular consequence: intron variant. On other transcripts: nonsense (1).
Genome position (GRCh38, 1-based): chr12:98,533,917, C>T. VCF-style: chr12-98533917-C-T. GRCh37 (hg19) VCF-style: chr12-98927695-C-T.
Other names: c.1660C>T, p.Gln554Ter (NM_003276.2); c.565+2079C>T (NM_001307975.2, NM_001032284.3); short protein forms Q554*.
Identifiers: ClinVar variation 1037638 (VCV001037638.7), dbSNP rs144269053, ClinGen allele CA6732454.

ClinVar aggregate classification (germline): Uncertain significance (1 of 4 stars; one submission).

Conditions:
Loeys-Dietz syndrome 2 (LDS2). Also called: AORTIC ANEURYSM, FAMILIAL THORACIC 3; MARFAN SYNDROME, TYPE II; Marfan syndrome, type 2 (formerly); Marfan Syndrome type 2; Marfan like connective tissue disorder; MFS 2. Identifiers: Orphanet 284973, Orphanet 558, MedGen C2674574, MONDO:0012427, OMIM 610168.

Allele frequency attached by ClinVar (database versions not stated): ExAC 0.00001; gnomAD 0.00001; gnomAD exomes 0.00002; TOPMed 0.00002; ESP Exome Variant Server 0.00008.
gnomAD v4.1: 13 of 1,614,016 alleles (0.00081%); highest among the groups gnomAD compares: Non-Finnish European, 0.0011%; no homozygotes.

Submission:

Labcorp Genetics (formerly Invitae), Labcorp
Classification: Uncertain significance for Loeys-Dietz syndrome 2. Last evaluated: 2023-06-22. Review status: criteria provided, single submitter. Criteria: Invitae Variant Classification Sherloc (09022015). Collection method: clinical testing. Allele origin: germline.
Comment: This sequence change creates a premature translational stop signal (p.Gln554*) in the TMPO gene. While this is not anticipated to result in nonsense mediated decay, it is expected to disrupt the last 141 amino acid(s) of the TMPO protein. This variant is present in population databases (rs144269053, gnomAD 0.004%). This variant has not been reported in the literature in individuals affected with TMPO-related conditions. ClinVar contains an entry for this variant (Variation ID: 1037638). Experimental studies and prediction algorithms are not available or were not evaluated, and the functional significance of this variant is currently unknown. In summary, the available evidence is currently insufficient to determine the role of this variant in disease. Therefore, it has been classified as a Variant of Uncertain Significance.